The following is an entry in ClinVar:

ClinVar aggregate classification (germline): Conflicting classifications of pathogenicity. Review status: criteria provided, conflicting classifications (1 of 4 stars). 3 submissions from 3 submitters: Likely pathogenic (1); Uncertain significance (1). 1 of the submissions does not count toward it. Last evaluated 2025-11-01.

Conditions:
DPAGT1-congenital disorder of glycosylation. Also called: CDG Ij; DPAGT1-CDG; CONGENITAL DISORDER OF GLYCOSYLATION, TYPE Ij. Identifiers: Orphanet 86309, MedGen C2931004, MONDO:0011964, OMIM 608093.
Congenital myasthenic syndrome 13 (CMS13). Also called: Myasthenic syndrome, congenital, with tubular aggregates 2; Myasthenic syndrome, congenital, 13, with tubular aggregates. Identifiers: Orphanet 353327, Orphanet 590, MedGen C3553645, MONDO:0013883, OMIM 614750.

Allele frequency attached by ClinVar (database versions not stated): gnomAD exomes below 0.00001 and 0.00001; TOPMed below 0.00001; ExAC 0.00002.

Submissions (3):

Medical Molecular Genetics, National Research Centre
Classification: Likely pathogenic for DPAGT1-congenital disorder of glycosylation. Last evaluated: 2025-11-01. Review status: criteria provided, single submitter. Criteria: ACMG Guidelines, 2015. Collection method: research. Allele origin: inherited. Affected: yes.

Labcorp Genetics (formerly Invitae), Labcorp
Classification: Uncertain significance for Congenital myasthenic syndrome 13; DPAGT1-congenital disorder of glycosylation. Last evaluated: 2022-08-01. Review status: criteria provided, single submitter. Criteria: Invitae Variant Classification Sherloc (09022015). Collection method: clinical testing. Allele origin: germline.
Comment: This sequence change replaces arginine, which is basic and polar, with cysteine, which is neutral and slightly polar, at codon 156 of the DPAGT1 protein (p.Arg156Cys). This variant is present in population databases (rs762796464, gnomAD 0.0009%). This missense change has been observed in individual(s) with clinical features of congenital disorder of glycosylation or limb girdle muscular dystrophy (PMID: 28454995, 31127727). ClinVar contains an entry for this variant (Variation ID: 800886). Algorithms developed to predict the effect of missense changes on protein structure and function (SIFT, PolyPhen-2, Align-GVGD) all suggest that this variant is likely to be disruptive. In summary, the available evidence is currently insufficient to determine the role of this variant in disease. Therefore, it has been classified as a Variant of Uncertain Significance.

Biochemical Molecular Genetic Laboratory, King Abdulaziz Medical City
Classification: Likely pathogenic for DPAGT1-congenital disorder of glycosylation. Last evaluated: 2019-09-26. Review status: no assertion criteria provided. Collection method: clinical testing. Allele origin: germline. Affected: yes. Not counted in ClinVar's aggregate classification.

Literature cited by the submitters: PubMed 28454995 (cited by Labcorp Genetics (formerly Invitae), Labcorp); PubMed 31127727 (cited by Labcorp Genetics (formerly Invitae), Labcorp).

NM_001382.4(DPAGT1):c.466C>T (p.Arg156Cys)

Gene: DPAGT1 (dolichyl-phosphate N-acetylglucosaminephosphotransferase 1; minus strand). Cytogenetic location: 11q23.3.
Variant type: single nucleotide variant.
Coding change: c.466C>T on transcript NM_001382.4 (MANE Select); coding-DNA position 466, C replaced by T.
Protein change: p.Arg156Cys; replaces arginine 156 with cysteine.
Molecular consequence: missense variant.
Genome position (GRCh38, 1-based): chr11:119,100,660, G>A on the plus strand (C>T on the coding strand, the complement: DPAGT1 is on the minus strand). VCF-style: chr11-119100660-G-A. GRCh37 (hg19) VCF-style: chr11-118971370-G-A.
Other names: short protein forms R156C.
Identifiers: ClinVar variation 800886 (VCV000800886.4), dbSNP rs762796464, ClinGen allele CA6314632.